The following is an entry in ClinVar:

ClinVar aggregate classification (germline): Likely benign. Review status: criteria provided, multiple submitters, no conflicts (2 of 4 stars). 2 submissions from 2 submitters: Likely benign (2). Last evaluated 2023-10-11.

Allele frequency attached by ClinVar (database versions not stated): ExAC 0.00001; gnomAD 0.00001 and 0.00002; gnomAD exomes 0.00001; TOPMed 0.00003; 1000 Genomes Project 0.00020; 1000 Genomes Project 30x 0.00031.
gnomAD v4.1: 6 of 1,601,564 alleles (0.00037%); highest among the groups gnomAD compares: Admixed American, 0.0051%; no homozygotes.

Submissions (2):

Labcorp Genetics (formerly Invitae), Labcorp
Classification: Likely benign. Last evaluated: 2023-10-11. Review status: criteria provided, single submitter. Criteria: Invitae Variant Classification Sherloc (09022015). Collection method: clinical testing. Allele origin: germline.

GeneDx
Classification: Likely benign. Last evaluated: 2016-10-11. Review status: criteria provided, single submitter. Criteria: GeneDx Variant Classification (06012015). Collection method: clinical testing. Allele origin: germline. Affected: yes.
Comment: This variant is considered likely benign or benign based on one or more of the following criteria: it is a conservative change, it occurs at a poorly conserved position in the protein, it is predicted to be benign by multiple in silico algorithms, and/or has population frequency not consistent with disease.

NM_003742.4(ABCB11):c.2011+18A>G

Gene: ABCB11 (ATP binding cassette subfamily B member 11; minus strand). Cytogenetic location: 2q31.1.
Variant type: single nucleotide variant.
Coding change: c.2011+18A>G on transcript NM_003742.4 (MANE Select); 18 bases into the intron after coding-DNA position 2011, A replaced by G.
Molecular consequence: intron variant.
Genome position (GRCh38, 1-based): chr2:168,969,332, T>C on the plus strand (A>G on the coding strand, the complement: ABCB11 is on the minus strand). VCF-style: chr2-168969332-T-C. GRCh37 (hg19) VCF-style: chr2-169825842-T-C.
Other names: c.2011+18A>G (LRG_1199t1).
Identifiers: ClinVar variation 389400 (VCV000389400.4), dbSNP rs181357802, ClinGen allele CA1951407.